The following is an entry in ClinVar:

NM_015047.3(EMC1):c.2802+6T>C

Genes: EMC1 (ER membrane protein complex subunit 1; minus strand), EMC1-AS1 (EMC1 antisense RNA 1; plus strand). Cytogenetic location: 1p36.13.
Variant type: single nucleotide variant.
Coding change: c.2802+6T>C on transcript NM_015047.3 (MANE Select); 6 bases into the intron after coding-DNA position 2802, T replaced by C.
Molecular consequence: intron variant.
Genome position (GRCh38, 1-based): chr1:19,219,563, A>G on the plus strand (T>C on the coding strand, the complement: EMC1 is on the minus strand). VCF-style: chr1-19219563-A-G. GRCh37 (hg19) VCF-style: chr1-19546057-A-G.
Other names: c.2736+6T>C (NM_001271429.2); c.2799+6T>C (NM_001271427.2, NM_001271428.2); c.2808+6T>C (NM_001375821.1); c.2811+6T>C (NM_001375820.1).
Identifiers: ClinVar variation 1020299 (VCV001020299.9), dbSNP rs755451780, ClinGen allele CA652146.
Genomic context (GRCh38, chr1:19,219,563, plus strand): 5'-GAATTAGGAAAGAAACAACCAATGATCCACCAAGGGTGAAATAGGGCAGCTGTGGGCTCT[A>G]CTCACCAAACAAGTGGACTCCAGACCCGAGGGAGCTGTGTAGATACCTCGCATTCGAGAA-3'

ClinVar aggregate classification (germline): Uncertain significance. Review status: criteria provided, multiple submitters, no conflicts (2 of 4 stars). 2 submissions from 2 submitters: Uncertain significance (2). Last evaluated 2026-02-03.

Allele frequency attached by ClinVar (database versions not stated): ExAC 0.00001; gnomAD 0.00002; gnomAD exomes 0.00002; TOPMed 0.00002.
gnomAD v4.1: 30 of 1,613,926 alleles (0.0019%); highest among the groups gnomAD compares: Non-Finnish European, 0.0022%; no homozygotes.

Submissions (2):

Labcorp Genetics (formerly Invitae), Labcorp
Classification: Uncertain significance. Last evaluated: 2026-02-03. Review status: criteria provided, single submitter. Criteria: Invitae Variant Classification Sherloc (09022015). Collection method: clinical testing. Allele origin: germline.
Comment: This sequence change falls in intron 22 of the EMC1 gene. It does not directly change the encoded amino acid sequence of the EMC1 protein. It affects a nucleotide within the consensus splice site. This variant is present in population databases (rs755451780, gnomAD 0.01%). This variant has not been reported in the literature in individuals affected with EMC1-related conditions. ClinVar contains an entry for this variant (Variation ID: 1020299). Variants that disrupt the consensus splice site are a relatively common cause of aberrant splicing (PMID: 17576681, 9536098). Algorithms developed to predict the effect of sequence changes on RNA splicing suggest that this variant may disrupt the consensus splice site. In summary, the available evidence is currently insufficient to determine the role of this variant in disease. Therefore, it has been classified as a Variant of Uncertain Significance.

Blueprint Genetics
Classification: Uncertain significance. Last evaluated: 2022-08-11. Review status: criteria provided, single submitter. Criteria: ACMG Guidelines, 2015. Collection method: clinical testing. Allele origin: germline.

Literature cited by the submitters: PubMed 17576681 (cited by Labcorp Genetics (formerly Invitae), Labcorp); PubMed 9536098 (cited by Labcorp Genetics (formerly Invitae), Labcorp).